The following is an entry in ClinVar:

NM_002334.4(LRP4):c.2119G>A (p.Gly707Arg)

Gene: LRP4 (LDL receptor related protein 4; minus strand). Cytogenetic location: 11p11.2.
Variant type: single nucleotide variant.
Coding change: c.2119G>A on transcript NM_002334.4 (MANE Select); coding-DNA position 2119, G replaced by A.
Protein change: p.Gly707Arg; replaces glycine 707 with arginine.
Molecular consequence: missense variant.
Genome position (GRCh38, 1-based): chr11:46,889,507, C>T on the plus strand (G>A on the coding strand, the complement: LRP4 is on the minus strand). VCF-style: chr11-46889507-C-T. GRCh37 (hg19) VCF-style: chr11-46911058-C-T.
Other names: short protein forms G707R.
Identifiers: ClinVar variation 576132 (VCV000576132.10), dbSNP rs1382055371, ClinGen allele CA380281422.

ClinVar aggregate classification (germline): Uncertain significance. Review status: criteria provided, multiple submitters, no conflicts (2 of 4 stars). 4 submissions from 4 submitters: Uncertain significance (4). Last evaluated 2024-07-02.

Conditions:
Cenani-Lenz syndactyly syndrome. Also called: CENANI SYNDACTYLISM; SYNDACTYLY, TYPE VII. Identifiers: Orphanet 3258, MedGen C1859309, MONDO:0008931, OMIM 212780.
Sclerosteosis 2 (SOST2). Identifiers: Orphanet 3152, MedGen C3280402, MONDO:0013679, OMIM 614305.
Congenital myasthenic syndrome 17. Identifiers: Orphanet 590, MedGen C4225377, MONDO:0014578, OMIM 616304.
Inborn genetic diseases. Identifiers: MedGen C0950123, MeSH D030342.

Allele frequency attached by ClinVar (database versions not stated): TOPMed below 0.00001.

Submissions (4):

Ambry Genetics
Classification: Uncertain significance for Inborn genetic diseases. Last evaluated: 2024-07-02. Review status: criteria provided, single submitter. Criteria: Ambry Variant Classification Scheme 2023. Collection method: clinical testing. Allele origin: germline.

Fulgent Genetics
Classification: Uncertain significance for Cenani-Lenz syndactyly syndrome; Sclerosteosis 2; Congenital myasthenic syndrome 17. Last evaluated: 2024-04-06. Review status: criteria provided, single submitter. Criteria: ACMG Guidelines, 2015. Collection method: clinical testing. Allele origin: germline.

GeneDx
Classification: Uncertain significance. Last evaluated: 2022-11-28. Review status: criteria provided, single submitter. Criteria: GeneDx Variant Classification Process June 2021. Collection method: clinical testing. Allele origin: germline. Affected: yes.
Comment: Not observed at significant frequency in large population cohorts (gnomAD); In silico analysis supports that this missense variant has a deleterious effect on protein structure/function; Has not been previously published as pathogenic or benign to our knowledge

Labcorp Genetics (formerly Invitae), Labcorp
Classification: Uncertain significance for Cenani-Lenz syndactyly syndrome; Sclerosteosis 2; Congenital myasthenic syndrome 17. Last evaluated: 2021-09-01. Review status: criteria provided, single submitter. Criteria: Invitae Variant Classification Sherloc (09022015). Collection method: clinical testing. Allele origin: germline.
Comment: This sequence change replaces glycine with arginine at codon 707 of the LRP4 protein (p.Gly707Arg). The glycine residue is highly conserved and there is a moderate physicochemical difference between glycine and arginine. This variant is not present in population databases (ExAC no frequency). This variant has not been reported in the literature in individuals affected with LRP4-related conditions. ClinVar contains an entry for this variant (Variation ID: 576132). Algorithms developed to predict the effect of missense changes on protein structure and function (SIFT, PolyPhen-2, Align-GVGD) all suggest that this variant is likely to be disruptive. In summary, the available evidence is currently insufficient to determine the role of this variant in disease. Therefore, it has been classified as a Variant of Uncertain Significance.